The following is an entry in ClinVar:

NM_000152.5(GAA):c.1848dup (p.Val617fs)

Gene: GAA (alpha glucosidase; plus strand). Cytogenetic location: 17q25.3.
Variant type: Duplication.
Coding change: c.1848dup on transcript NM_000152.5 (MANE Select); coding-DNA position 1848, one base duplicated (C; older notation c.1848dupC).
Protein change: p.Val617fs; shifts the reading frame from valine 617.
Molecular consequence: frameshift variant.
Genome position (GRCh38, 1-based): chr17:80,112,671, C duplicated. VCF-style (leftmost placement, unchanged base first): chr17-80112670-A-AC. GRCh37 (hg19) VCF-style: chr17-78086469-A-AC.
Other names: NM_001079804.3:c.1848dup; c.1848dup, p.Val617fs (NM_001079803.3, NM_001079804.3); c.1848dup, p.Val617Argfs (NM_001406741.1, NM_001406742.1); short protein forms V617fs.
Identifiers: ClinVar variation 1710193 (VCV001710193.2), dbSNP rs2482171849, ClinGen allele CA658795267.
Genomic context (GRCh38, chr17:80,112,670, plus strand): 5'-TTGTGATCTCCCGCTCGACCTTTGCTGGCCACGGCCGATACGCCGGCCACTGGACGGGGG[A>AC]CGTGTGGAGCTCCTGGGAGCAGCTCGCCTCCTCCGTGCCAGGTGAGCTCCTACCAGGAGG-3'

ClinVar aggregate classification (germline): Pathogenic. Review status: reviewed by expert panel (3 of 4 stars). 2 submissions from 2 submitters: Pathogenic (1). 1 of the submissions does not count toward it. Last evaluated 2022-09-06.

Conditions:
Glycogen storage disease, type II (IOPD). Also called: CARDIOMEGALIA GLYCOGENICA DIFFUSA; GLYCOGENOSIS, GENERALIZED, CARDIAC FORM; GSD II; POMPE DISEASE, INFANTILE-ONSET; GLYCOGEN STORAGE DISEASE II, INFANTILE-ONSET; ACID ALPHA-GLUCOSIDASE DEFICIENCY, INFANTILE-ONSET. Identifiers: Orphanet 365, MedGen C0017921, MONDO:0009290, OMIM 232300.

Submissions (2):

ClinGen Lysosomal Storage Disorder Variant Curation Expert Panel
Classification: Pathogenic for Glycogen storage disease, type II. Last evaluated: 2022-09-06. Review status: reviewed by expert panel. Criteria: clingen_lsd_acmg_specifications_v2-1. Collection method: curation. Allele origin: germline. Inheritance: Autosomal recessive inheritance.
Comment: The NM_000152.5c.1848dup in GAA is a frameshift variant predicted to cause a premature stop codon (p.Val617ArgfsTer19), leading to nonsense mediated decay in a gene in which loss-of-function is an established disease mechanism (PVS1). One patient with the variant has been reported who has infantile onset Pompe disease, <1% GAA activity in skin fibroblasts, and is on enzyme replacement therapy (PMID: 22252923, personal communication with first author) (PP4_Moderate). This patient is compound heterozygous, phase unknown, for c.1832G>A (p.Gly611Asp) (PMID: 22252923, personal communication with first author). The allelic data from this patient was used in the evaluation of c.1832G>A (p.Gly611Asp) and is not included here to avoid circular logic. The variant is absent in gnomAD v2.1.1 (PM2_Supporting). There is no ClinVar entry for this variant. In summary, this variant meets the criteria to be classified as pathogenic for Pompe disease. GAA-specific ACMG-AMP criteria met, as specified by the ClinGen LSD VCEP (Specifications Version 2.0): PVS1, PP4_Moderate, PM2_Supporting.

Genomenon, Inc
Classification: Likely pathogenic for Glycogen storage disease, type II. Last evaluated: 2026-07-01. Review status: criteria provided, single submitter. Criteria: Genomenon Sequence Variant Interpretation Standards - Updated. Collection method: curation. Allele origin: germline. Affected: no. Not counted in ClinVar's aggregate classification.
Comment: GAA p.Val617ArgfsTer19 (c.1848dup) is a frameshift variant that is predicted to introduce a premature termination codon and result in a truncated or absent protein product. This variant has been reported in the published literature (PMID:22644586;22252923). It is absent or not present at a significant frequency in gnomAD. In conclusion, we classify GAA p.Val617ArgfsTer19 (c.1848dup) as a likely pathogenic variant.

Literature cited by the submitters: PubMed 22644586 (cited by Genomenon, Inc); PubMed 22252923 (cited by Genomenon, Inc).